The following is an entry in ClinVar:

NM_003491.4(NAA10):c.245G>A (p.Arg82Gln)

Gene: NAA10 (N-alpha-acetyltransferase 10, NatA catalytic subunit; minus strand). Cytogenetic location: Xq28.
Variant type: single nucleotide variant.
Coding change: c.245G>A on transcript NM_003491.4 (MANE Select); coding-DNA position 245, G replaced by A.
Protein change: p.Arg82Gln; replaces arginine 82 with glutamine.
Molecular consequence: missense variant.
Genome position (GRCh38, 1-based): chrX:153,932,412, C>T on the plus strand (G>A on the coding strand, the complement: NAA10 is on the minus strand). VCF-style: chrX-153932412-C-T. GRCh37 (hg19) VCF-style: chrX-153197865-C-T.
Other names: c.245G>A, p.Arg82Gln (NM_001256119.2); c.227G>A, p.Arg76Gln (NM_001256120.2); short protein forms R76Q, R82Q.
Identifiers: ClinVar variation 2502813 (VCV002502813.5), dbSNP rs2521332403, ClinGen allele CA415159480.

ClinVar aggregate classification (germline): Conflicting classifications of pathogenicity. Review status: criteria provided, conflicting classifications (1 of 4 stars). 2 submissions from 2 submitters: Pathogenic (1); Uncertain significance (1). Last evaluated 2024-11-15.

Submissions (2):

Labcorp Genetics (formerly Invitae), Labcorp
Classification: Uncertain significance. Last evaluated: 2024-11-15. Review status: criteria provided, single submitter. Criteria: Invitae Variant Classification Sherloc (09022015). Collection method: clinical testing. Allele origin: germline.
Comment: This sequence change replaces arginine, which is basic and polar, with glutamine, which is neutral and polar, at codon 82 of the NAA10 protein (p.Arg82Gln). This variant is not present in population databases (gnomAD no frequency). This missense change has been observed in individual(s) with developmental disorder (PMID: 31785789, 33057194, 33504798, 35982159). This variant is also known as 153197865C>T. ClinVar contains an entry for this variant (Variation ID: 2502813). An algorithm developed to predict the effect of missense changes on protein structure and function (PolyPhen-2) suggests that this variant is likely to be disruptive. In summary, the available evidence is currently insufficient to determine the role of this variant in disease. Therefore, it has been classified as a Variant of Uncertain Significance.

GeneDx
Classification: Pathogenic. Last evaluated: 2024-04-29. Review status: criteria provided, single submitter. Criteria: GeneDx Variant Classification Process June 2021. Collection method: clinical testing. Allele origin: germline.
Comment: Not observed at significant frequency in large population cohorts (gnomAD); In silico analysis supports that this missense variant has a deleterious effect on protein structure/function; This variant is associated with the following publications: (PMID: 33504798, 35982159, 33057194, 31785789)

Literature cited by the submitters: PubMed 31785789 (cited by Labcorp Genetics (formerly Invitae), Labcorp); PubMed 33057194 (cited by Labcorp Genetics (formerly Invitae), Labcorp); PubMed 33504798 (cited by Labcorp Genetics (formerly Invitae), Labcorp); PubMed 35982159 (cited by Labcorp Genetics (formerly Invitae), Labcorp).